The following is an entry in ClinVar:

ClinVar aggregate classification (germline): Uncertain significance (1 of 4 stars; one submission).

Conditions:
NPHP1-related disorder. Also called: NPHP1-related condition; NPHP1-related disorders.

Submission:

PreventionGenetics, part of Exact Sciences
Classification: Uncertain significance for NPHP1-related condition. Last evaluated: 2025-11-26. Review status: criteria provided, single submitter. Criteria: ACMG Guidelines, 2015. Collection method: clinical testing. Allele origin: germline.
Comment: The NPHP1 c.479T>C variant is predicted to result in the amino acid substitution p.Val160Ala. To our knowledge, this variant has not been reported in the literature or in a large population database (gnomAD), indicating this variant is rare. At this time, the clinical significance of this variant is uncertain due to the absence of conclusive functional and genetic evidence.

NM_001128178.3(NPHP1):c.479T>C (p.Val160Ala)

Gene: NPHP1 (nephrocystin 1; minus strand). Cytogenetic location: 2q13.
Variant type: single nucleotide variant.
Coding change: c.479T>C on transcript NM_001128178.3 (MANE Select); coding-DNA position 479, T replaced by C.
Protein change: p.Val160Ala; replaces valine 160 with alanine.
Molecular consequence: missense variant.
Genome position (GRCh38, 1-based): chr2:110,169,849, A>G on the plus strand (T>C on the coding strand, the complement: NPHP1 is on the minus strand). VCF-style: chr2-110169849-A-G. GRCh37 (hg19) VCF-style: chr2-110927426-A-G.
Other names: c.479T>C, p.Val160Ala (NM_000272.5, NM_001374256.1, NM_001374257.1 and 1 more transcripts); c.293T>C, p.Val98Ala (NM_001128179.3); short protein forms V98A, V160A.
Identifiers: ClinVar variation 4999022 (VCV004999022.1).